The following is an entry in ClinVar:

ClinVar aggregate classification (germline): Uncertain significance (1 of 4 stars; one submission).

Conditions:
Baller-Gerold syndrome (BGS). Also called: CRANIOSYNOSTOSIS WITH RADIAL DEFECTS. Identifiers: Orphanet 1225, MedGen C0265308, MONDO:0009039, OMIM 218600.

Allele frequency attached by ClinVar (database versions not stated): TOPMed 0.00001; gnomAD exomes 0.00002.
gnomAD v4.1: 33 of 1,350,794 alleles (0.0024%); highest among the groups gnomAD compares: Non-Finnish European, 0.003%; no homozygotes.

Submission:

Labcorp Genetics (formerly Invitae), Labcorp
Classification: Uncertain significance for Baller-Gerold syndrome. Last evaluated: 2024-02-24. Review status: criteria provided, single submitter. Criteria: Invitae Variant Classification Sherloc (09022015). Collection method: clinical testing. Allele origin: germline.
Comment: This sequence change replaces arginine, which is basic and polar, with glutamine, which is neutral and polar, at codon 19 of the RECQL4 protein (p.Arg19Gln). The frequency data for this variant in the population databases is considered unreliable, as metrics indicate poor data quality at this position in the gnomAD database. This variant has not been reported in the literature in individuals affected with RECQL4-related conditions. ClinVar contains an entry for this variant (Variation ID: 1006511). Experimental studies and prediction algorithms are not available or were not evaluated, and the functional significance of this variant is currently unknown. In summary, the available evidence is currently insufficient to determine the role of this variant in disease. Therefore, it has been classified as a Variant of Uncertain Significance.

NM_004260.4(RECQL4):c.56G>A (p.Arg19Gln)

Genes: RECQL4 (RecQ like helicase 4; minus strand), LOC130001411 (ATAC-STARR-seq lymphoblastoid silent region 19699; plus strand). Cytogenetic location: 8q24.3.
Variant type: single nucleotide variant.
Coding change: c.56G>A on transcript NM_004260.4 (MANE Select); coding-DNA position 56, G replaced by A.
Protein change: p.Arg19Gln; replaces arginine 19 with glutamine.
Molecular consequence: missense variant.
Genome position (GRCh38, 1-based): chr8:144,517,729, C>T on the plus strand (G>A on the coding strand, the complement: RECQL4 is on the minus strand). VCF-style: chr8-144517729-C-T. GRCh37 (hg19) VCF-style: chr8-145743113-C-T.
Other names: short protein forms R19Q.
Identifiers: ClinVar variation 1006511 (VCV001006511.5), dbSNP rs1231840928, ClinGen allele CA372693765.
Genomic context (GRCh38, chr8:144,517,729, plus strand): 5'-CCTCAGCCCCTCGGCCCCTGGGCAGCCCGCACCTGGCTCGGTCGCCGCCCGCGCTGCCGT[C>T]GGAACGCGCGCTCCCACGCCTGCAGCCGCTCCCGCACGTCCCGCAGCCGCTCCATGGCGC-3'
Protein context (NP_004251.4, residues 9-29): ERLQAWERAF[Arg19Gln]RQRGRRPSQD